The following is an entry in ClinVar:

NM_014714.4(IFT140):c.413T>G (p.Val138Gly)

Genes: IFT140 (intraflagellar transport 140; minus strand), LOC105371046 (uncharacterized LOC105371046; plus strand). Cytogenetic location: 16p13.3.
Variant type: single nucleotide variant.
Coding change: c.413T>G on transcript NM_014714.4 (MANE Select); coding-DNA position 413, T replaced by G.
Protein change: p.Val138Gly; replaces valine 138 with glycine.
Molecular consequence: missense variant.
Genome position (GRCh38, 1-based): chr16:1,592,545, A>C on the plus strand (T>G on the coding strand, the complement: IFT140 is on the minus strand). VCF-style: chr16-1592545-A-C. GRCh37 (hg19) VCF-style: chr16-1642546-A-C.
Other names: short protein forms V138G.
Identifiers: ClinVar variation 2135213 (VCV002135213.4), dbSNP rs2508075902, ClinGen allele CA394220999.

ClinVar aggregate classification (germline): Uncertain significance (1 of 4 stars; one submission).

Conditions:
Saldino-Mainzer syndrome (SRTD9). Also called: short-rib thoracic dysplasia 9 with or without polydactyly; CONORENAL SYNDROME; Renal dysplasia, retinal pigmentary dystrophy, cerebellar ataxia and skeletal dysplasia; SHORT-RIB THORACIC DYSPLASIA 9 WITHOUT POLYDACTYLY. Identifiers: Orphanet 140969, MedGen C1849437, MONDO:0009964, OMIM 266920.

Allele frequency attached by ClinVar (database versions not stated): gnomAD exomes below 0.00001.
gnomAD v4.1: 1 of 1,614,222 alleles (0.000062%); highest among the groups gnomAD compares: Admixed American, 0.0017%; no homozygotes.

Submission:

Labcorp Genetics (formerly Invitae), Labcorp
Classification: Uncertain significance for Saldino-Mainzer syndrome. Last evaluated: 2022-05-07. Review status: criteria provided, single submitter. Criteria: Invitae Variant Classification Sherloc (09022015). Collection method: clinical testing. Allele origin: germline.
Comment: This variant has not been reported in the literature in individuals affected with IFT140-related conditions. In summary, the available evidence is currently insufficient to determine the role of this variant in disease. Therefore, it has been classified as a Variant of Uncertain Significance. Algorithms developed to predict the effect of missense changes on protein structure and function are either unavailable or do not agree on the potential impact of this missense change (SIFT: "Deleterious"; PolyPhen-2: "Benign"; Align-GVGD: "Class C0"). This variant is not present in population databases (gnomAD no frequency). This sequence change replaces valine, which is neutral and non-polar, with glycine, which is neutral and non-polar, at codon 138 of the IFT140 protein (p.Val138Gly).